The following is an entry in ClinVar:

NM_000439.5(PCSK1):c.1384C>A (p.Pro462Thr)

Genes: CAST (calpastatin; plus strand), PCSK1 (proprotein convertase subtilisin/kexin type 1; minus strand), LOC101929710 (uncharacterized LOC101929710; plus strand). Cytogenetic location: 5q15.
Variant type: single nucleotide variant.
Coding change: c.1384C>A on transcript NM_000439.5 (MANE Select); coding-DNA position 1384, C replaced by A.
Protein change: p.Pro462Thr; replaces proline 462 with threonine.
Molecular consequence: missense variant. On other transcripts: intron variant (11).
Genome position (GRCh38, 1-based): chr5:96,399,999, G>T on the plus strand (C>A on the coding strand, the complement: PCSK1 is on the minus strand). VCF-style: chr5-96399999-G-T. GRCh37 (hg19) VCF-style: chr5-95735703-G-T.
Other names: c.1243C>A, p.Pro415Thr (NM_001177875.2); c.-175+20347G>T (NM_001423254.1, NM_001423259.1, NM_001423255.1 and 6 more transcripts); c.-103+20347G>T (NM_001423253.1); c.-40+20347G>T (NM_001423258.1); short protein forms P462T, P415T.
Identifiers: ClinVar variation 4981933 (VCV004981933.1).

ClinVar aggregate classification (germline): Uncertain significance (1 of 4 stars; one submission).

Conditions:
PCSK1-related disorder. Also called: PCSK1-related condition.

gnomAD v4.1: 12 of 1,613,984 alleles (0.00074%); highest among the groups gnomAD compares: African/African-American, 0.0013%; no homozygotes.

Submission:

PreventionGenetics, part of Exact Sciences
Classification: Uncertain significance for PCSK1-related condition. Last evaluated: 2025-11-26. Review status: criteria provided, single submitter. Criteria: ACMG Guidelines, 2015. Collection method: clinical testing. Allele origin: germline.
Comment: The PCSK1 c.1384C>A variant is predicted to result in the amino acid substitution p.Pro462Thr. This variant was observed in a cohort of obese individuals, and in vitro functional studies show inconclusive evidence of loss of function (Table 3 and Supplemental Data Set, Shah et al. 2023. PubMed ID: 36864747). This variant is reported in 0.0062% of alleles in individuals of African descent in gnomAD. At this time, the clinical significance of this variant is uncertain due to the absence of conclusive functional and genetic evidence.